The following is an entry in ClinVar:

NM_016343.4(CENPF):c.9258G>A (p.Glu3086=)

Gene: CENPF (centromere protein F; plus strand). Cytogenetic location: 1q41.
Variant type: single nucleotide variant.
Coding change: c.9258G>A on transcript NM_016343.4 (MANE Select); coding-DNA position 9258, G replaced by A.
Protein change: p.Glu3086=; no amino-acid change (glutamic acid 3086 retained).
Molecular consequence: synonymous variant.
Genome position (GRCh38, 1-based): chr1:214,663,707, G>A. VCF-style: chr1-214663707-G-A. GRCh37 (hg19) VCF-style: chr1-214837050-G-A.
Identifiers: ClinVar variation 3026730 (VCV003026730.22), dbSNP rs2528465096, ClinGen allele CA423314087.

ClinVar aggregate classification (germline): Likely benign (1 of 4 stars; one submission).

Submission:

CeGaT Center for Human Genetics Tuebingen
Classification: Likely benign. Last evaluated: 2024-01-01. Review status: criteria provided, single submitter. Criteria: CeGaT Center For Human Genetics Tuebingen Variant Classification Criteria Version 2. Collection method: clinical testing. Allele origin: germline. Affected: yes. Observed: 1 variant allele.
Comment: CENPF: PM2:Supporting, BP4, BP7